The following is an entry in ClinVar:

NM_001384140.1(PCDH15):c.4671+1642T>C

Gene: PCDH15 (protocadherin related 15; minus strand). Cytogenetic location: 10q21.1.
Variant type: single nucleotide variant.
Coding change: c.4671+1642T>C on transcript NM_001384140.1 (MANE Select); 1642 bases into the intron after coding-DNA position 4671, T replaced by C.
Molecular consequence: intron variant. On other transcripts: synonymous variant (2), 3 prime UTR variant (1).
Genome position (GRCh38, 1-based): chr10:53,808,914, A>G on the plus strand (T>C on the coding strand, the complement: PCDH15 is on the minus strand). VCF-style: chr10-53808914-A-G. GRCh37 (hg19) VCF-style: chr10-55568674-A-G.
Other names: c.5151T>C, p.Pro1717= (NM_001142769.4); c.*566T>C (NM_001142770.3); c.5130T>C, p.Pro1710= (NM_001354411.2); c.4476+1642T>C (NM_001354420.2); c.4605+1642T>C (NM_001354429.2); c.4482+1642T>C (NM_001142772.2); c.4497+1642T>C (NM_001142771.2).
Identifiers: ClinVar variation 504994 (VCV000504994.31), dbSNP rs182175548, ClinGen allele CA5504718.
Genomic context (GRCh38, chr10:53,808,914, plus strand): 5'-CACACCTCCTTCCACCGAAGCTGATTCTGCACTGCCCTCTTCAGGGATATCTTGAGCTTC[A>G]GGGTCTGTACTTTCTTCCACAGGGGCTGGTCCACTTTCTTCTTCTTCTGAGTGTTCTTCT-3'

ClinVar aggregate classification (germline): Likely benign. Review status: criteria provided, multiple submitters, no conflicts (2 of 4 stars). 4 submissions from 4 submitters: Likely benign (3). 1 of the submissions does not count toward it. Last evaluated 2023-11-15.

Conditions:
PCDH15-related disorder. Also called: PCDH15-related disorders; PCDH15-related condition.

Allele frequency attached by ClinVar (database versions not stated): gnomAD exomes 0.00004 and 0.00006; ExAC 0.00008; gnomAD 0.00021 and 0.00022; TOPMed 0.00057; 1000 Genomes Project 0.00080; 1000 Genomes Project 30x 0.00094.
gnomAD v4.1: 128 of 1,575,142 alleles (0.0081%); highest among the groups gnomAD compares: Admixed American, 0.095%; no homozygotes.

Submissions (4):

Blueprint Genetics
Classification: Likely benign. Last evaluated: 2023-11-15. Review status: criteria provided, single submitter. Criteria: ACMG Guidelines, 2015. Collection method: clinical testing. Allele origin: germline.

CeGaT Center for Human Genetics Tuebingen
Classification: Likely benign. Last evaluated: 2023-04-01. Review status: criteria provided, single submitter. Criteria: CeGaT Center For Human Genetics Tuebingen Variant Classification Criteria Version 2. Collection method: clinical testing. Allele origin: germline. Affected: yes. Observed: 1 variant allele.
Comment: PCDH15: BP4, BP7

Laboratory for Molecular Medicine, Mass General Brigham Personalized Medicine
Classification: Likely benign. Last evaluated: 2016-06-16. Review status: criteria provided, single submitter. Criteria: LMM Criteria. Collection method: clinical testing. Allele origin: germline. Observed: 2 variant alleles.
Comment: p.Pro1717Pro in exon 37A of PCDH15: This variant is not expected to have clinica l significance because it does not alter an amino acid residue and is not locate d within the splice consensus sequence. It has been identified in 1/19740 of Eur opean chromosomes by the Exome Aggregation Consortium (ExAC; dbSNP rs182175548).

PreventionGenetics, part of Exact Sciences
Classification: Likely benign for PCDH15-related condition. Last evaluated: 2019-10-18. Review status: no assertion criteria provided. Collection method: clinical testing. Allele origin: germline. Not counted in ClinVar's aggregate classification.
Comment: This variant is classified as likely benign based on ACMG/AMP sequence variant interpretation guidelines (Richards et al. 2015 PMID: 25741868, with internal and published modifications).